The following is an entry in ClinVar:

ClinVar aggregate classification (germline): Conflicting classifications of pathogenicity. Review status: criteria provided, conflicting classifications (1 of 4 stars). 4 submissions from 4 submitters: Uncertain significance (3); Likely benign (1). Last evaluated 2024-11-09.

Conditions:
Hereditary nonpolyposis colorectal neoplasms. Identifiers: MedGen C0009405, MeSH D003123.
Hereditary cancer-predisposing syndrome. Also called: Tumor predisposition; Neoplastic Syndromes, Hereditary; Hereditary neoplastic syndrome; Hereditary Cancer Syndrome. Identifiers: Orphanet 140162, MedGen C0027672, MeSH D009386, MONDO:0015356.
Endometrial carcinoma. Also called: Endometrial carcinoma, somatic. Identifiers: MedGen C0476089, MONDO:0002447, OMIM 608089, HP:0012114.

Allele frequency attached by ClinVar (database versions not stated): gnomAD exomes below 0.00001.

Submissions (4):

Labcorp Genetics (formerly Invitae), Labcorp
Classification: Likely benign for Hereditary nonpolyposis colorectal neoplasms. Last evaluated: 2024-11-09. Review status: criteria provided, single submitter. Criteria: Invitae Variant Classification Sherloc (09022015). Collection method: clinical testing. Allele origin: germline.

Ambry Genetics
Classification: Uncertain significance for Hereditary cancer-predisposing syndrome. Last evaluated: 2024-06-24. Review status: criteria provided, single submitter. Criteria: Ambry Variant Classification Scheme 2023. Collection method: clinical testing. Allele origin: germline.
Comment: The p.P12L variant (also known as c.35C>T), located in coding exon 1 of the MSH6 gene, results from a C to T substitution at nucleotide position 35. The proline at codon 12 is replaced by leucine, an amino acid with similar properties. This amino acid position is well conserved in available vertebrate species. In addition, the in silico prediction for this alteration is inconclusive. Since supporting evidence is limited at this time, the clinical significance of this alteration remains unclear.

Baylor Genetics
Classification: Uncertain significance for Endometrial carcinoma. Last evaluated: 2024-02-09. Review status: criteria provided, single submitter. Criteria: ACMG Guidelines, 2015. Collection method: clinical testing. Allele origin: unknown.

Women's Health and Genetics/Laboratory Corporation of America, LabCorp
Classification: Uncertain significance. Last evaluated: 2021-04-08. Review status: criteria provided, single submitter. Criteria: LabCorp Variant Classification Summary - May 2015. Collection method: clinical testing. Allele origin: germline.
Comment: Variant summary: MSH6 c.35C>T (p.Pro12Leu) results in a non-conservative amino acid change in the encoded protein sequence. Three of five in-silico tools predict a benign effect of the variant on protein function. The variant allele was found at a frequency of 4.1e-06 in 245172 control chromosomes (gnomAD). The available data on variant occurrences in the general population are insufficient to allow any conclusion about variant significance. To our knowledge, no occurrence of c.35C>T in individuals affected with Hereditary Nonpolyposis Colorectal Cancer and no experimental evidence demonstrating its impact on protein function have been reported. No clinical diagnostic laboratories have submitted clinical-significance assessments for this variant to ClinVar after 2014. Based on the evidence outlined above, the variant was classified as uncertain significance.

NM_000179.3(MSH6):c.35C>T (p.Pro12Leu)

Gene: MSH6 (mutS homolog 6; plus strand). Cytogenetic location: 2p16.3.
Variant type: single nucleotide variant.
Coding change: c.35C>T on transcript NM_000179.3 (MANE Select); coding-DNA position 35, C replaced by T.
Protein change: p.Pro12Leu; replaces proline 12 with leucine.
Molecular consequence: missense variant. On other transcripts: 5 prime UTR variant (1).
Genome position (GRCh38, 1-based): chr2:47,783,268, C>T. VCF-style: chr2-47783268-C-T. GRCh37 (hg19) VCF-style: chr2-48010407-C-T.
Other names: c.35C>T, p.Pro12Leu (NM_001281492.2); c.-702C>T (NM_001281493.2); short protein forms P12L.
Identifiers: ClinVar variation 632905 (VCV000632905.14), dbSNP rs760603184, ClinGen allele CA46687631.